The following is an entry in ClinVar:

ClinVar aggregate classification (germline): Uncertain significance (1 of 4 stars; one submission).

Conditions:
Colorectal cancer, susceptibility to, 12 (CRCS12). Also called: COLORECTAL CANCER, SUSCEPTIBILITY TO, ON CHROMOSOME 12q24. Identifiers: Orphanet 220460, MedGen C3554460, MONDO:0014038, OMIM 615083.

Submission:

Labcorp Genetics (formerly Invitae), Labcorp
Classification: Uncertain significance for Colorectal cancer, susceptibility to, 12. Last evaluated: 2019-07-02. Review status: criteria provided, single submitter. Criteria: Invitae Variant Classification Sherloc (09022015). Collection method: clinical testing. Allele origin: germline.
Comment: This variant results in a copy number gain of the genomic region encompassing exons 46-49 of the POLE gene. The 5' boundary is likely confined to intron 45. The 3' end of this event is unknown as it extends beyond the assayed region for this gene and therefore may encompass additional genes. As the precise location of this event is unknown, it may be in tandem or it may be located elsewhere in the genome. This variant has not been reported in the literature in individuals with POLE-related conditions. Experimental studies and prediction algorithms are not available or were not evaluated for this variant, and the functional significance of the affected amino acid(s) is currently unknown. In summary, the available evidence is currently insufficient to determine the role of this variant in disease. Therefore, it has been classified as a Variant of Uncertain Significance.

NC_000012.12:g.(?_132624687)_(132626327_?)dup

Gene: POLE (DNA polymerase epsilon, catalytic subunit; minus strand). Cytogenetic location: 12q24.33.
Variant type: Duplication.
Identifiers: ClinVar variation 832678 (VCV000832678.1).